The following is an entry in ClinVar:

ClinVar aggregate classification (germline): Uncertain significance (1 of 4 stars; one submission).

Conditions:
Inborn genetic diseases. Identifiers: MedGen C0950123, MeSH D030342.

gnomAD v4.1: 1 of 1,613,974 alleles (0.000062%); highest among the groups gnomAD compares: Non-Finnish European, 0.000085%; no homozygotes.

Submission:

Ambry Genetics
Classification: Uncertain significance for Inborn genetic diseases. Last evaluated: 2022-05-17. Review status: criteria provided, single submitter. Criteria: Ambry Variant Classification Scheme 2023. Collection method: clinical testing. Allele origin: germline.
Comment: The p.L649F variant (also known as c.1945C>T), located in coding exon 9 of the ATR gene, results from a C to T substitution at nucleotide position 1945. The leucine at codon 649 is replaced by phenylalanine, an amino acid with highly similar properties. This amino acid position is conserved. In addition, this alteration is predicted to be tolerated by in silico analysis. Since supporting evidence is limited at this time, the clinical significance of this alteration remains unclear.

NM_001184.4(ATR):c.1945C>T (p.Leu649Phe)

Gene: ATR (ATR checkpoint kinase; minus strand). Cytogenetic location: 3q23.
Variant type: single nucleotide variant.
Coding change: c.1945C>T on transcript NM_001184.4 (MANE Select); coding-DNA position 1945, C replaced by T.
Protein change: p.Leu649Phe; replaces leucine 649 with phenylalanine.
Molecular consequence: missense variant.
Genome position (GRCh38, 1-based): chr3:142,556,516, G>A on the plus strand (C>T on the coding strand, the complement: ATR is on the minus strand). VCF-style: chr3-142556516-G-A. GRCh37 (hg19) VCF-style: chr3-142275358-G-A.
Other names: c.1753C>T, p.Leu585Phe (NM_001354579.2); short protein forms L585F, L649F.
Identifiers: ClinVar variation 1783115 (VCV001783115.2), dbSNP rs771284495, ClinGen allele CA354819487.